The following is an entry in ClinVar:

ClinVar aggregate classification (germline): Pathogenic. Review status: criteria provided, multiple submitters, no conflicts (2 of 4 stars). 2 submissions from 2 submitters: Pathogenic (2). Last evaluated 2025-05-28.

Conditions:
Cardiovascular phenotype. Identifiers: MedGen CN230736.
Charcot-Marie-Tooth disease type 2. Also called: Charcot-Marie-Tooth type 2. Identifiers: Orphanet 64746, MedGen C0270914, MONDO:0018993.

Submissions (2):

Ambry Genetics
Classification: Pathogenic for Cardiovascular phenotype. Last evaluated: 2025-05-28. Review status: criteria provided, single submitter. Criteria: Ambry Variant Classification Scheme 2023. Collection method: clinical testing. Allele origin: germline.
Comment: The p.Q293* pathogenic mutation (also known as c.877C>T), located in coding exon 5 of the LMNA gene, results from a C to T substitution at nucleotide position 877. This changes the amino acid from a glutamine to a stop codon within coding exon 5. This variant was reported in individual(s) with features consistent with LMNA-related laminopathy (Chmielewski P et al. J Clin Med, 2020 May;9:). This variant is considered to be rare based on population cohorts in the Genome Aggregation Database (gnomAD). This alteration is expected to result in loss of function by premature protein truncation or nonsense-mediated mRNA decay. As such, this alteration is interpreted as a disease-causing mutation.

Labcorp Genetics (formerly Invitae), Labcorp
Classification: Pathogenic for Charcot-Marie-Tooth disease type 2. Last evaluated: 2024-11-12. Review status: criteria provided, single submitter. Criteria: Invitae Variant Classification Sherloc (09022015). Collection method: clinical testing. Allele origin: germline.
Comment: This sequence change creates a premature translational stop signal (p.Gln293*) in the LMNA gene. It is expected to result in an absent or disrupted protein product. Loss-of-function variants in LMNA are known to be pathogenic (PMID: 18585512, 18926329). This variant is not present in population databases (gnomAD no frequency). This variant has not been reported in the literature in individuals affected with LMNA-related conditions. ClinVar contains an entry for this variant (Variation ID: 476834). For these reasons, this variant has been classified as Pathogenic.

Literature cited by the submitters: PubMed 32408651 (cited by Ambry Genetics); PubMed 18585512 (cited by Labcorp Genetics (formerly Invitae), Labcorp); PubMed 18926329 (cited by Labcorp Genetics (formerly Invitae), Labcorp).

NM_170707.4(LMNA):c.877C>T (p.Gln293Ter)

Gene: LMNA (lamin A/C; plus strand). Cytogenetic location: 1q22.
Variant type: single nucleotide variant.
Coding change: c.877C>T on transcript NM_170707.4 (MANE Select); coding-DNA position 877, C replaced by T.
Protein change: p.Gln293Ter; replaces glutamine 293 with a stop codon.
Molecular consequence: nonsense.
Genome position (GRCh38, 1-based): chr1:156,135,253, C>T. VCF-style: chr1-156135253-C-T. GRCh37 (hg19) VCF-style: chr1-156105044-C-T.
Other names: c.877C>T (NM_170707.2); c.541C>T, p.Gln181Ter (NM_001257374.3); c.634C>T, p.Gln212Ter (NM_001282624.2); c.877C>T, p.Gln293Ter (NM_001282625.2, NM_001282626.2, NM_005572.4 and 1 more transcripts); short protein forms Q293*, Q212*, Q181*.
Identifiers: ClinVar variation 476834 (VCV000476834.9), dbSNP rs1553265455, ClinGen allele CA342817717.